The following is an entry in ClinVar:

ClinVar aggregate classification (germline): Uncertain significance (1 of 4 stars; one submission).

Conditions:
Cone-rod dystrophy 6 (CORD6). Also called: Cone dystrophy progressive; RETINAL CONE DYSTROPHY 2. Identifiers: Orphanet 1872, MedGen C1866293, MONDO:0011143, OMIM 601777.
Leber congenital amaurosis 1 (LCA1). Also called: Congenital absence of the rods and cones; Leber's congenital tapetoretinal degeneration; Leber's congenital tapetoretinal dysplasia; AMAUROSIS CONGENITA OF LEBER I; RETINAL BLINDNESS, CONGENITAL. Identifiers: Orphanet 65, MedGen C2931258, MONDO:0008764, OMIM 204000.

Submission:

Labcorp Genetics (formerly Invitae), Labcorp
Classification: Uncertain significance for Leber congenital amaurosis 1; Cone-rod dystrophy 6. Last evaluated: 2023-05-13. Review status: criteria provided, single submitter. Criteria: Invitae Variant Classification Sherloc (09022015). Collection method: clinical testing. Allele origin: germline.
Comment: This variant is not present in population databases (gnomAD no frequency). This sequence change replaces glycine, which is neutral and non-polar, with arginine, which is basic and polar, at codon 395 of the GUCY2D protein (p.Gly395Arg). This variant has not been reported in the literature in individuals affected with GUCY2D-related conditions. Advanced modeling of protein sequence and biophysical properties (such as structural, functional, and spatial information, amino acid conservation, physicochemical variation, residue mobility, and thermodynamic stability) performed at Invitae indicates that this missense variant is not expected to disrupt GUCY2D protein function. In summary, the available evidence is currently insufficient to determine the role of this variant in disease. Therefore, it has been classified as a Variant of Uncertain Significance.

NM_000180.4(GUCY2D):c.1183G>A (p.Gly395Arg)

Gene: GUCY2D (guanylate cyclase 2D, retinal; plus strand). Cytogenetic location: 17p13.1.
Variant type: single nucleotide variant.
Coding change: c.1183G>A on transcript NM_000180.4 (MANE Select); coding-DNA position 1183, G replaced by A.
Protein change: p.Gly395Arg; replaces glycine 395 with arginine.
Molecular consequence: missense variant.
Genome position (GRCh38, 1-based): chr17:8,006,519, G>A. VCF-style: chr17-8006519-G-A. GRCh37 (hg19) VCF-style: chr17-7909837-G-A.
Other names: short protein forms G395R.
Identifiers: ClinVar variation 2947734 (VCV002947734.3), dbSNP rs2545420308, ClinGen allele CA397947908.